The following is an entry in ClinVar:

NM_018136.5(ASPM):c.8987+1G>A

Gene: ASPM (assembly factor for spindle microtubules; minus strand). Cytogenetic location: 1q31.3.
Variant type: single nucleotide variant.
Coding change: c.8987+1G>A on transcript NM_018136.5 (MANE Select); the canonical splice donor site of the intron after coding-DNA position 8987, G replaced by A.
Molecular consequence: splice donor variant.
Genome position (GRCh38, 1-based): chr1:197,095,997, C>T on the plus strand (G>A on the coding strand, the complement: ASPM is on the minus strand). VCF-style: chr1-197095997-C-T. GRCh37 (hg19) VCF-style: chr1-197065127-C-T.
Other names: c.4232+1G>A (NM_001206846.2).
Identifiers: ClinVar variation 448986 (VCV000448986.1), dbSNP rs1553326840, ClinGen allele CA344009215.

ClinVar aggregate classification (germline): Pathogenic (1 of 4 stars; one submission).

Allele frequency attached by ClinVar (database versions not stated): gnomAD exomes below 0.00001.
gnomAD v4.1: 1 of 1,604,096 alleles (0.000062%); highest among the groups gnomAD compares: Non-Finnish European, 0.000085%; no homozygotes.

Submission:

GeneDx
Classification: Pathogenic. Last evaluated: 2016-08-11. Review status: criteria provided, single submitter. Criteria: GeneDx Variant Classification (06012015). Collection method: clinical testing. Allele origin: germline. Affected: yes.
Comment: The c.8987+1 G>A variant in the ASPM gene has not been reported previously as a disease-causing variant nor as a benign polymorphism, to our knowledge. It was not observed in approximately 6,500 individuals of European and African American ancestry in the NHLBI Exome Sequencing Project, indicating it is not a common benign variant in these populations. This variant destroys the canonical splice donor site in intron 19. It is predicted to cause abnormal gene splicing, either leading to an abnormal message that is subject to nonsense-mediated mRNA decay or to an abnormal protein product if the message is used for protein translation. We interpret c.8987+1 G>A as a disease-causing variant